The following is an entry in ClinVar:

NM_000535.7(PMS2):c.1013del (p.Pro338fs)

Gene: PMS2 (PMS1 homolog 2, mismatch repair system component; minus strand). Cytogenetic location: 7p22.1.
Variant type: Deletion.
Coding change: c.1013del on transcript NM_000535.7 (MANE Select); coding-DNA position 1013, one base deleted (C; older notation c.1013delC).
Protein change: p.Pro338fs; shifts the reading frame from proline 338.
Molecular consequence: frameshift variant. On other transcripts: non-coding transcript variant (1), intron variant (10).
Genome position (GRCh38, 1-based): chr7:5,989,931, G deleted on the plus strand (C on the coding strand, the reverse complement: PMS2 is on the minus strand); the first of 2 consecutive G bases (chr7:5,989,931-5,989,932); deleting either gives the same sequence. VCF-style (leftmost placement, unchanged base first): chr7-5989930-TG-T. GRCh37 (hg19) VCF-style: chr7-6029561-TG-T.
Other names: c.500del, p.Pro167fs (NM_001406904.1, NM_001406905.1); c.608del, p.Pro203fs (NM_001406908.1, NM_001406910.1, NM_001322003.2 and 16 more transcripts); c.440del, p.Pro147fs (NM_001406909.1, NM_001322013.2); c.242del, p.Pro81fs (NM_001406911.1); c.583+2042del (NM_001322010.2, NM_001406906.1, NM_001406907.1); c.670+2042del (NM_001406902.1, NM_001406901.1); c.679+2042del (NM_001406900.1); c.820+2042del (NM_001406884.1); and 14 more; short protein forms P203fs, P216fs, P235fs, P272fs, P27fs, P302fs, P346fs, P400fs.
Identifiers: ClinVar variation 5026934 (VCV005026934.1).

ClinVar aggregate classification (germline): Pathogenic (1 of 4 stars; one submission).

Conditions:
Hereditary cancer-predisposing syndrome. Also called: Neoplastic Syndromes, Hereditary; Tumor predisposition; Hereditary neoplastic syndrome; Hereditary Cancer Syndrome. Identifiers: Orphanet 140162, MedGen C0027672, MeSH D009386, MONDO:0015356.

Submission:

Ambry Genetics
Classification: Pathogenic for Hereditary cancer-predisposing syndrome. Last evaluated: 2026-08-26. Review status: criteria provided, single submitter. Criteria: Ambry Variant Classification Scheme 2023. Collection method: clinical testing. Allele origin: germline.
Comment: The c.1013delC pathogenic mutation, located in coding exon 10 of the PMS2 gene, results from a deletion of one nucleotide at nucleotide position 1013, causing a translational frameshift with a predicted alternate stop codon (p.P338Qfs*18). This variant is considered to be rare based on population cohorts in the Genome Aggregation Database (gnomAD). This alteration is expected to result in loss of function by premature protein truncation or nonsense-mediated mRNA decay. As such, this alteration is interpreted as a disease-causing mutation.